The following is an entry in ClinVar:

NM_001029883.3(PCARE):c.*508A>G

Gene: PCARE (photoreceptor cilium actin regulator; minus strand). Cytogenetic location: 2p23.2.
Variant type: single nucleotide variant.
Coding change: c.*508A>G on transcript NM_001029883.3 (MANE Select); 508 bases downstream of the stop codon, A replaced by G.
Molecular consequence: 3 prime UTR variant.
Genome position (GRCh38, 1-based): chr2:29,064,361, T>C on the plus strand (A>G on the coding strand, the complement: PCARE is on the minus strand). VCF-style: chr2-29064361-T-C. GRCh37 (hg19) VCF-style: chr2-29287227-T-C.
Identifiers: ClinVar variation 335626 (VCV000335626.6), dbSNP rs10196859, ClinGen allele CA10615212.

ClinVar aggregate classification (germline): Benign. Review status: criteria provided, multiple submitters, no conflicts (2 of 4 stars). 2 submissions from 2 submitters: Benign (2). Last evaluated 2018-01-13.

Conditions:
Retinitis pigmentosa (RP). Identifiers: Orphanet 791, MedGen C0035334, MeSH D012174, MONDO:0019200, OMIM 268000. Inheritance: Autosomal dominant, autosomal recessive and X linked inheritance.

Allele frequency attached by ClinVar (database versions not stated): gnomAD exomes 0.23783; gnomAD 0.30812 and 0.30824; TOPMed 0.32832; 1000 Genomes Project 30x 0.35915; 1000 Genomes Project 0.35962.
gnomAD v4.1: 52,582 of 175,736 alleles (30%); highest among the groups gnomAD compares: East Asian, 49%; 8,649 homozygotes.

Submissions (2):

Illumina Laboratory Services, Illumina
Classification: Benign for Retinitis pigmentosa. Last evaluated: 2018-01-13. Review status: criteria provided, single submitter. Criteria: ICSL Variant Classification Criteria 13 December 2019. Collection method: clinical testing. Allele origin: germline.
Comment: This variant was observed in the ICSL laboratory as part of a predisposition screen in an ostensibly healthy population. It had not been previously curated by ICSL or reported in the Human Gene Mutation Database (HGMD: prior to June 1st, 2018), and was therefore a candidate for classification through an automated scoring system. Utilizing variant allele frequency, disease prevalence and penetrance estimates, and inheritance mode, an automated score was calculated to assess if this variant is too frequent to cause the disease. Based on the score and internal cut-off values, a variant classified as benign is not then subjected to further curation. The score for this variant resulted in a classification of benign for this disease.

Breakthrough Genomics
Classification: Benign. Review status: criteria provided, single submitter. Criteria: ACMG Guidelines, 2015. Collection method: not provided. Allele origin: germline. Inheritance: Unknown mechanism. Affected: yes.